The following is an entry in ClinVar:

ClinVar aggregate classification (germline): Uncertain significance (1 of 4 stars; one submission).

Submission:

Labcorp Genetics (formerly Invitae), Labcorp
Classification: Uncertain significance. Last evaluated: 2022-03-01. Review status: criteria provided, single submitter. Criteria: Invitae Variant Classification Sherloc (09022015). Collection method: clinical testing. Allele origin: germline.
Comment: In summary, the available evidence is currently insufficient to determine the role of this variant in disease. Therefore, it has been classified as a Variant of Uncertain Significance. Experimental studies and prediction algorithms are not available or were not evaluated, and the functional significance of this variant is currently unknown. This variant has not been reported in the literature in individuals affected with CLUAP1-related conditions. This variant results in a copy number gain of the genomic region encompassing exon(s) 6-12 of the CLUAP1 gene. This region includes the termination codon of the gene. This copy number gain extends beyond the assayed region for this gene and therefore may encompass additional genes. As the precise location of this event is unknown, it may be in tandem or it may be located elsewhere in the genome.

NC_000016.9:g.(?_3565488)_(3801827_?)dup

Genes: CLUAP1 (clusterin associated protein 1; plus strand), CREBBP (CREB binding protein; minus strand), DNASE1 (deoxyribonuclease 1; plus strand), NLRC3 (NLR family CARD domain containing 3; minus strand), SLX4 (SLX4 structure-specific endonuclease subunit; minus strand) and 1 more. Cytogenetic location: 16p13.3.
Variant type: Duplication.
Identifiers: ClinVar variation 2426041 (VCV002426041.4).